The following is an entry in ClinVar:

NM_004260.4(RECQL4):c.691G>A (p.Gly231Ser)

Gene: RECQL4 (RecQ like helicase 4; minus strand). Cytogenetic location: 8q24.3.
Variant type: single nucleotide variant.
Coding change: c.691G>A on transcript NM_004260.4 (MANE Select); coding-DNA position 691, G replaced by A.
Protein change: p.Gly231Ser; replaces glycine 231 with serine.
Molecular consequence: missense variant.
Genome position (GRCh38, 1-based): chr8:144,516,428, C>T on the plus strand (G>A on the coding strand, the complement: RECQL4 is on the minus strand). VCF-style: chr8-144516428-C-T. GRCh37 (hg19) VCF-style: chr8-145741812-C-T.
Other names: short protein forms G231S.
Identifiers: ClinVar variation 1012251 (VCV001012251.9), dbSNP rs1001434106, ClinGen allele CA187689043.

ClinVar aggregate classification (germline): Likely pathogenic (1 of 4 stars; one submission).

Conditions:
Baller-Gerold syndrome (BGS). Also called: CRANIOSYNOSTOSIS WITH RADIAL DEFECTS. Identifiers: Orphanet 1225, MedGen C0265308, MONDO:0009039, OMIM 218600.

Allele frequency attached by ClinVar (database versions not stated): gnomAD exomes below 0.00001.
gnomAD v4.1: 2 of 1,609,268 alleles (0.00012%); highest among the groups gnomAD compares: Non-Finnish European, 0.000085%; no homozygotes.

Submission:

Labcorp Genetics (formerly Invitae), Labcorp
Classification: Likely pathogenic for Baller-Gerold syndrome. Last evaluated: 2024-03-04. Review status: criteria provided, single submitter. Criteria: Invitae Variant Classification Sherloc (09022015). Collection method: clinical testing. Allele origin: germline.
Comment: This sequence change replaces glycine, which is neutral and non-polar, with serine, which is neutral and polar, at codon 231 of the RECQL4 protein (p.Gly231Ser). This variant is not present in population databases (gnomAD no frequency). This missense change has been observed in individual(s) with Rothmund-Thomson syndrome (PMID: 29462647, 34006472). In at least one individual the data is consistent with being in trans (on the opposite chromosome) from a pathogenic variant. It has also been observed to segregate with disease in related individuals. ClinVar contains an entry for this variant (Variation ID: 1012251). Advanced modeling of protein sequence and biophysical properties (such as structural, functional, and spatial information, amino acid conservation, physicochemical variation, residue mobility, and thermodynamic stability) performed at Invitae indicates that this missense variant is not expected to disrupt RECQL4 protein function with a negative predictive value of 80%. Algorithms developed to predict the effect of sequence changes on RNA splicing suggest that this variant may create or strengthen a splice site. In summary, the currently available evidence indicates that the variant is pathogenic, but additional data are needed to prove that conclusively. Therefore, this variant has been classified as Likely Pathogenic.

Literature cited by the submitters: PubMed 29462647; PubMed 34006472.